The following is an entry in ClinVar:

NM_032043.3(BRIP1):c.263G>C (p.Cys88Ser)

Gene: BRIP1 (BRCA1 interacting DNA helicase 1; minus strand). Cytogenetic location: 17q23.2.
Variant type: single nucleotide variant.
Coding change: c.263G>C on transcript NM_032043.3 (MANE Select); coding-DNA position 263, G replaced by C.
Protein change: p.Cys88Ser; replaces cysteine 88 with serine.
Molecular consequence: missense variant.
Genome position (GRCh38, 1-based): chr17:61,857,174, C>G on the plus strand (G>C on the coding strand, the complement: BRIP1 is on the minus strand). VCF-style: chr17-61857174-C-G. GRCh37 (hg19) VCF-style: chr17-59934535-C-G.
Other names: short protein forms C88S.
Identifiers: ClinVar variation 921949 (VCV000921949.4), dbSNP rs2078909444, ClinGen allele CA400485504.

ClinVar aggregate classification (germline): Uncertain significance (1 of 4 stars; one submission).

Conditions:
Hereditary cancer-predisposing syndrome. Also called: Neoplastic Syndromes, Hereditary; Tumor predisposition; Hereditary Cancer Syndrome; Hereditary neoplastic syndrome. Identifiers: Orphanet 140162, MedGen C0027672, MeSH D009386, MONDO:0015356.

gnomAD v4.1: 1 of 1,613,874 alleles (0.000062%); highest among the groups gnomAD compares: Non-Finnish European, 0.000085%; no homozygotes.

Submission:

Color Diagnostics, LLC DBA Color Health
Classification: Uncertain significance for Hereditary cancer-predisposing syndrome. Last evaluated: 2023-12-05. Review status: criteria provided, single submitter. Criteria: ACMG Guidelines, 2015. Collection method: clinical testing. Allele origin: germline.
Comment: This missense variant replaces cysteine with serine at codon 88 of the BRIP1 protein. Computational prediction suggests that this variant may not impact protein structure and function (internally defined REVEL score threshold <= 0.5, PMID: 27666373). To our knowledge, functional studies have not been reported for this variant. This variant has not been reported in individuals affected with BRIP1-related disorders in the literature. This variant has not been identified in the general population by the Genome Aggregation Database (gnomAD). The available evidence is insufficient to determine the role of this variant in disease conclusively. Therefore, this variant is classified as a Variant of Uncertain Significance.